The following is an entry in ClinVar:

NM_177438.3(DICER1):c.5653G>A (p.Val1885Ile)

Gene: DICER1 (dicer 1, ribonuclease III; minus strand). Cytogenetic location: 14q32.13.
Variant type: single nucleotide variant.
Coding change: c.5653G>A on transcript NM_177438.3 (MANE Select); coding-DNA position 5653, G replaced by A.
Protein change: p.Val1885Ile; replaces valine 1885 with isoleucine.
Molecular consequence: missense variant. On other transcripts: synonymous variant (1).
Genome position (GRCh38, 1-based): chr14:95,090,614, C>T on the plus strand (G>A on the coding strand, the complement: DICER1 is on the minus strand). VCF-style: chr14-95090614-C-T. GRCh37 (hg19) VCF-style: chr14-95556951-C-T.
Other names: c.5490G>A, p.Ter1830= (NM_001195573.1); c.5653G>A, p.Val1885Ile (NM_001271282.3, NM_001291628.2, NM_030621.4); short protein forms V1885I.
Identifiers: ClinVar variation 937069 (VCV000937069.12), dbSNP rs1889706594, ClinGen allele CA390863466.

ClinVar aggregate classification (germline): Uncertain significance. Review status: criteria provided, multiple submitters, no conflicts (2 of 4 stars). 2 submissions from 2 submitters: Uncertain significance (2). Last evaluated 2026-07-27.

Conditions:
DICER1-related tumor predisposition. Also called: DICER1-related pleuropulmonary blastoma cancer predisposition syndrome; DICER1 syndrome. Identifiers: Orphanet 284343, MedGen C3839822, MONDO:0100216.
Hereditary cancer-predisposing syndrome. Also called: Neoplastic Syndromes, Hereditary; Hereditary Cancer Syndrome; Tumor predisposition; Hereditary neoplastic syndrome. Identifiers: Orphanet 140162, MedGen C0027672, MeSH D009386, MONDO:0015356.

Submissions (2):

Ambry Genetics
Classification: Uncertain significance for Hereditary cancer-predisposing syndrome. Last evaluated: 2026-07-27. Review status: criteria provided, single submitter. Criteria: Ambry Variant Classification Scheme 2023. Collection method: clinical testing. Allele origin: germline.
Comment: The p.V1885I variant (also known as c.5653G>A), located in coding exon 26 of the DICER1 gene, results from a G to A substitution at nucleotide position 5653. The valine at codon 1885 is replaced by isoleucine, an amino acid with highly similar properties. This amino acid position is conserved. In addition, this alteration is predicted to be tolerated by in silico analysis. Based on the available evidence, the clinical significance of this variant remains unclear.

Labcorp Genetics (formerly Invitae), Labcorp
Classification: Uncertain significance for DICER1-related tumor predisposition. Last evaluated: 2019-09-18. Review status: criteria provided, single submitter. Criteria: Invitae Variant Classification Sherloc (09022015). Collection method: clinical testing. Allele origin: germline.
Comment: Algorithms developed to predict the effect of missense changes on protein structure and function (SIFT, PolyPhen-2, Align-GVGD) all suggest that this variant is likely to be tolerated, but these predictions have not been confirmed by published functional studies and their clinical significance is uncertain. In summary, the available evidence is currently insufficient to determine the role of this variant in disease. Therefore, it has been classified as a Variant of Uncertain Significance. This variant has not been reported in the literature in individuals with DICER1-related conditions. This variant is not present in population databases (ExAC no frequency). This sequence change replaces valine with isoleucine at codon 1885 of the DICER1 protein (p.Val1885Ile). The valine residue is highly conserved and there is a small physicochemical difference between valine and isoleucine.